The following is an entry in ClinVar:

NM_007215.4(POLG2):c.892G>A (p.Glu298Lys)

Genes: MILR1 (mast cell immunoglobulin like receptor 1; plus strand), POLG2 (DNA polymerase gamma 2, accessory subunit; minus strand). Cytogenetic location: 17q23.3.
Variant type: single nucleotide variant.
Coding change: c.892G>A on transcript NM_007215.4 (MANE Select); coding-DNA position 892, G replaced by A.
Protein change: p.Glu298Lys; replaces glutamic acid 298 with lysine.
Molecular consequence: missense variant.
Genome position (GRCh38, 1-based): chr17:64,490,873, C>T on the plus strand (G>A on the coding strand, the complement: POLG2 is on the minus strand). VCF-style: chr17-64490873-C-T. GRCh37 (hg19) VCF-style: chr17-62486990-C-T.
Other names: short protein forms E298K.
Identifiers: ClinVar variation 2806562 (VCV002806562.3), dbSNP rs2509545311, ClinGen allele CA400638561.

ClinVar aggregate classification (germline): Uncertain significance (1 of 4 stars; one submission).

Allele frequency attached by ClinVar (database versions not stated): gnomAD exomes 0.00001.
gnomAD v4.1: 7 of 1,613,100 alleles (0.00043%); highest among the groups gnomAD compares: Non-Finnish European, 0.00059%; no homozygotes.

Submission:

Labcorp Genetics (formerly Invitae), Labcorp
Classification: Uncertain significance. Last evaluated: 2023-04-09. Review status: criteria provided, single submitter. Criteria: Invitae Variant Classification Sherloc (09022015). Collection method: clinical testing. Allele origin: germline.
Comment: In summary, the available evidence is currently insufficient to determine the role of this variant in disease. Therefore, it has been classified as a Variant of Uncertain Significance. An algorithm developed to predict the effect of missense changes on protein structure and function (PolyPhen-2) suggests that this variant is likely to be disruptive. This variant has not been reported in the literature in individuals affected with POLG2-related conditions. This variant is not present in population databases (gnomAD no frequency). This sequence change replaces glutamic acid, which is acidic and polar, with lysine, which is basic and polar, at codon 298 of the POLG2 protein (p.Glu298Lys).